The following is an entry in ClinVar:

ClinVar aggregate classification (germline): Pathogenic (1 of 4 stars; one submission).

Conditions:
Cohen syndrome (COH1). Also called: PEPPER SYNDROME; Cutis verticis gyrata, retinitis pigmentosa, and sensorineural deafness. Identifiers: Orphanet 193, MedGen C0265223, MONDO:0008999, OMIM 216550.

Submission:

Myriad Genetics, Inc.
Classification: Pathogenic for Cohen syndrome. Last evaluated: 2026-01-22. Review status: criteria provided, single submitter. Criteria: Myriad Autosomal Dominant, Autosomal Recessive and X-Linked Classification Criteria (2023). Collection method: clinical testing. Allele origin: unknown.
Comment: NM_017890.4(VPS13B):c.1523delG(G508Vfs*20) is a frameshift variant classified as pathogenic in the context of Cohen syndrome. G508Vfs*20 has not been observed in cases with relevant disease. Relevant functional assessments of this variant are not available in the literature. G508Vfs*20 has not been observed in referenced population frequency databases. In summary, NM_017890.4(VPS13B):c.1523delG(G508Vfs*20) is a frameshift variant in a gene where loss of function is a known mechanism of disease and is predicted to disrupt protein function. Please note: this variant was assessed in the context of healthy population screening.

NM_152564.5(VPS13B):c.1523del (p.Gly508fs)

Gene: VPS13B (vacuolar protein sorting 13 homolog B; plus strand). Cytogenetic location: 8q22.2.
Variant type: Deletion.
Coding change: c.1523del on transcript NM_152564.5 (MANE Select); coding-DNA position 1523, one base deleted (G; older notation c.1523delG).
Protein change: p.Gly508fs; shifts the reading frame from glycine 508.
Molecular consequence: frameshift variant.
Genome position (GRCh38, 1-based): chr8:99,135,693, G deleted; the last of 2 consecutive G bases (chr8:99,135,692-99,135,693); deleting either gives the same sequence. VCF-style (leftmost placement, unchanged base first): chr8-99135691-TG-T. GRCh37 (hg19) VCF-style: chr8-100147919-TG-T.
Other names: c.1523del, p.Gly508fs (NM_015243.3, NM_017890.5); short protein forms G508fs.
Identifiers: ClinVar variation 5004415 (VCV005004415.1).